The following is an entry in ClinVar:

NM_213720.3(CHCHD10):c.95C>G (p.Ala32Gly)

Gene: CHCHD10 (coiled-coil-helix-coiled-coil-helix domain containing 10; minus strand). Cytogenetic location: 22q11.23.
Variant type: single nucleotide variant.
Coding change: c.95C>G on transcript NM_213720.3 (MANE Select); coding-DNA position 95, C replaced by G.
Protein change: p.Ala32Gly; replaces alanine 32 with glycine.
Molecular consequence: missense variant. On other transcripts: non-coding transcript variant (1).
Genome position (GRCh38, 1-based): chr22:23,767,540, G>C on the plus strand (C>G on the coding strand, the complement: CHCHD10 is on the minus strand). VCF-style: chr22-23767540-G-C. GRCh37 (hg19) VCF-style: chr22-24109727-G-C.
Other names: c.95C>G, p.Ala32Gly (NM_001301339.2); short protein forms A32G.
Identifiers: ClinVar variation 2444388 (VCV002444388.1), dbSNP rs369956455, ClinGen allele CA322574062.

ClinVar aggregate classification (germline): Uncertain significance (1 of 4 stars; one submission).

Conditions:
Lower motor neuron syndrome with late-adult onset (SMAJ). Also called: Spinal muscular atrophy, Jokela type; Late-Onset Spinal Motor Neuronopathy (SMAJ). Identifiers: Orphanet 276435, MedGen C3554398, MONDO:0014025, OMIM 615048.

Submission:

3billion
Classification: Uncertain significance for Lower motor neuron syndrome with late-adult onset. Last evaluated: 2023-02-23. Review status: criteria provided, single submitter. Criteria: ACMG Guidelines, 2015. Collection method: clinical testing. Allele origin: unknown. Affected: yes.
Comment: The variant is not observed in the gnomAD v2.1.1 dataset. Missense changes are a common disease-causing mechanism. A different missense change at the same codon (p.Ala32Asp) has been reported to be associated with CHCHD10 related disorder (PMID: 26719383). However, In silico tool predictions suggest no damaging effect of the variant on gene or gene product (REVEL: 0.08; 3Cnet: 0.01). The evidence of pathogenicity is insufficient at this time. Therefore, this variant is classified as VUS according to the recommendation of ACMG/AMP guideline.

Literature cited by the submitters: PubMed 26719383.